The following is an entry in ClinVar:

NM_001243133.2(NLRP3):c.3006-1G>C

Gene: NLRP3 (NLR family pyrin domain containing 3; plus strand). Cytogenetic location: 1q44.
Variant type: single nucleotide variant.
Coding change: c.3006-1G>C on transcript NM_001243133.2 (MANE Select); the canonical splice acceptor site of the intron before coding-DNA position 3006, G replaced by C.
Molecular consequence: splice acceptor variant.
Genome position (GRCh38, 1-based): chr1:247,448,404, G>C. VCF-style: chr1-247448404-G-C. GRCh37 (hg19) VCF-style: chr1-247611706-G-C.
Other names: c.3012-1G>C (NM_004895.5); c.2835-1G>C (NM_001127461.3, NM_001127462.3); c.2664-1G>C (NM_183395.3); c.3006-1G>C (NM_001079821.3).
Identifiers: ClinVar variation 3663734 (VCV003663734.2).

ClinVar aggregate classification (germline): Uncertain significance (1 of 4 stars; one submission).

Conditions:
Cryopyrin associated periodic syndrome (CAPS). Identifiers: Orphanet 208650, MedGen C2316212, MONDO:0016168.

gnomAD v4.1: 2 of 1,581,136 alleles (0.00013%); highest among the groups gnomAD compares: Non-Finnish European, 0.00017%; no homozygotes.

Submission:

Labcorp Genetics (formerly Invitae), Labcorp
Classification: Uncertain significance for Cryopyrin associated periodic syndrome. Last evaluated: 2024-08-28. Review status: criteria provided, single submitter. Criteria: Invitae Variant Classification Sherloc (09022015). Collection method: clinical testing. Allele origin: germline.
Comment: This sequence change falls in intron 8 of the NLRP3 gene. It does not directly change the encoded amino acid sequence of the NLRP3 protein. It affects a nucleotide within the consensus splice site. This variant is not present in population databases (gnomAD no frequency). This variant has not been reported in the literature in individuals affected with NLRP3-related conditions. Variants that disrupt the consensus splice site are a relatively common cause of aberrant splicing (PMID: 17576681, 9536098). Algorithms developed to predict the effect of sequence changes on RNA splicing suggest that this variant may disrupt the consensus splice site. In summary, the available evidence is currently insufficient to determine the role of this variant in disease. Therefore, it has been classified as a Variant of Uncertain Significance.

Literature cited by the submitters: PubMed 17576681; PubMed 9536098.